The following is an entry in ClinVar:

NM_000062.3(SERPING1):c.518G>A (p.Ser173Asn)

Gene: SERPING1 (serpin family G member 1; plus strand). Cytogenetic location: 11q12.1.
Variant type: single nucleotide variant.
Coding change: c.518G>A on transcript NM_000062.3 (MANE Select); coding-DNA position 518, G replaced by A.
Protein change: p.Ser173Asn; replaces serine 173 with asparagine.
Molecular consequence: missense variant.
Genome position (GRCh38, 1-based): chr11:57,600,345, G>A. VCF-style: chr11-57600345-G-A. GRCh37 (hg19) VCF-style: chr11-57367818-G-A.
Other names: c.518G>A, p.Ser173Asn (NM_001032295.2); short protein forms S173N.
Identifiers: ClinVar variation 1714268 (VCV001714268.5), dbSNP rs1215435134, ClinGen allele CA380695577.

ClinVar aggregate classification (germline): Uncertain significance (1 of 4 stars; one submission).

Allele frequency attached by ClinVar (database versions not stated): gnomAD exomes below 0.00001; gnomAD 0.00001; TOPMed 0.00001.
gnomAD v4.1: 5 of 1,612,518 alleles (0.00031%); highest among the groups gnomAD compares: Non-Finnish European, 0.00042%; no homozygotes.

Submission:

Labcorp Genetics (formerly Invitae), Labcorp
Classification: Uncertain significance. Last evaluated: 2022-07-29. Review status: criteria provided, single submitter. Criteria: Invitae Variant Classification Sherloc (09022015). Collection method: clinical testing. Allele origin: germline.
Comment: This sequence change replaces serine, which is neutral and polar, with asparagine, which is neutral and polar, at codon 173 of the SERPING1 protein (p.Ser173Asn). In summary, the available evidence is currently insufficient to determine the role of this variant in disease. Therefore, it has been classified as a Variant of Uncertain Significance. Advanced modeling of protein sequence and biophysical properties (such as structural, functional, and spatial information, amino acid conservation, physicochemical variation, residue mobility, and thermodynamic stability) performed at Invitae indicates that this missense variant is not expected to disrupt SERPING1 protein function. This variant has not been reported in the literature in individuals affected with SERPING1-related conditions. This variant is not present in population databases (gnomAD no frequency).